The following is an entry in ClinVar:

NM_001110556.2(FLNA):c.158G>A (p.Cys53Tyr)

Gene: FLNA (filamin A; minus strand). Cytogenetic location: Xq28.
Variant type: single nucleotide variant.
Coding change: c.158G>A on transcript NM_001110556.2 (MANE Select); coding-DNA position 158, G replaced by A.
Protein change: p.Cys53Tyr; replaces cysteine 53 with tyrosine.
Molecular consequence: missense variant.
Genome position (GRCh38, 1-based): chrX:154,371,088, C>T on the plus strand (G>A on the coding strand, the complement: FLNA is on the minus strand). VCF-style: chrX-154371088-C-T. GRCh37 (hg19) VCF-style: chrX-153599456-C-T.
Other names: c.158G>A, p.Cys53Tyr (NM_001456.4); short protein forms C53Y.
Identifiers: ClinVar variation 1690822 (VCV001690822.2), dbSNP rs2148122005, ClinGen allele CA415255267.
Genomic context (GRCh38, chrX:154,371,088, plus strand): 5'-TCGCTCAGGTCCGTCTGCAGGTTGGCGATGCGCTTGCTCACGCACTTCAGGTGCTCGTTG[C>T]ACCAGCGCGTGAAAGTGTTCTGCTGGATCTTCTTCCACGGCGCGTCCTCCGCCAGGTCCT-3'
Protein context (NP_001104026.1, residues 43-63): KIQQNTFTRW[Cys53Tyr]NEHLKCVSKR

ClinVar aggregate classification (germline): Uncertain significance (1 of 4 stars; one submission).

Submission:

Laboratorio de Genetica e Diagnostico Molecular, Hospital Israelita Albert Einstein
Classification: Uncertain significance. Last evaluated: 2019-04-29. Review status: criteria provided, single submitter. Criteria: ACMG Guidelines, 2015. Collection method: clinical testing. Allele origin: germline. Affected: yes.
Comment: ACMG classification criteria: PM2, PP3